The following is an entry in ClinVar:

ClinVar aggregate classification (germline): Benign/Likely benign. Review status: criteria provided, multiple submitters, no conflicts (2 of 4 stars). 2 submissions from 2 submitters: Benign (1); Likely benign (1). Last evaluated 2024-07-09.

Conditions:
Oligodontia-cancer predisposition syndrome. Also called: TOOTH AGENESIS-COLORECTAL CANCER SYNDROME. Identifiers: Orphanet 300576, MedGen C1837750, MONDO:0012075, OMIM 608615. Disease mechanism: loss of function.

Allele frequency attached by ClinVar (database versions not stated): gnomAD exomes below 0.00001.
gnomAD v4.1: 1 of 1,613,674 alleles (0.000062%); highest among the groups gnomAD compares: Non-Finnish European, 0.000085%; no homozygotes.

Submissions (2):

Myriad Genetics, Inc.
Classification: Benign for Oligodontia-cancer predisposition syndrome. Last evaluated: 2024-07-09. Review status: criteria provided, single submitter. Criteria: Myriad Autosomal Dominant, Autosomal Recessive and X-Linked Classification Criteria (2023). Collection method: clinical testing. Allele origin: unknown.
Comment: This variant is considered benign. This variant is a silent/synonymous amino acid change and it is not expected to impact splicing.

Labcorp Genetics (formerly Invitae), Labcorp
Classification: Likely benign for Oligodontia-cancer predisposition syndrome. Last evaluated: 2019-10-21. Review status: criteria provided, single submitter. Criteria: Invitae Variant Classification Sherloc (09022015). Collection method: clinical testing. Allele origin: germline.

NM_004655.4(AXIN2):c.2031C>T (p.His677=)

Gene: AXIN2 (axin 2; minus strand). Cytogenetic location: 17q24.1.
Variant type: single nucleotide variant.
Coding change: c.2031C>T on transcript NM_004655.4 (MANE Select); coding-DNA position 2031, C replaced by T.
Protein change: p.His677=; no amino-acid change (histidine 677 retained).
Molecular consequence: synonymous variant.
Genome position (GRCh38, 1-based): chr17:65,536,430, G>A on the plus strand (C>T on the coding strand, the complement: AXIN2 is on the minus strand). VCF-style: chr17-65536430-G-A. GRCh37 (hg19) VCF-style: chr17-63532548-G-A.
Other names: c.1836C>T, p.His612= (NM_001363813.1).
Identifiers: ClinVar variation 1088907 (VCV001088907.10), dbSNP rs1555577104, ClinGen allele CA501690942.